The following is an entry in ClinVar:

NM_001379500.1(COL18A1):c.2621G>A (p.Gly874Glu)

Gene: COL18A1 (collagen type XVIII alpha 1 chain; plus strand). Cytogenetic location: 21q22.3.
Variant type: single nucleotide variant.
Coding change: c.2621G>A on transcript NM_001379500.1 (MANE Select); coding-DNA position 2621, G replaced by A.
Protein change: p.Gly874Glu; replaces glycine 874 with glutamic acid.
Molecular consequence: missense variant.
Genome position (GRCh38, 1-based): chr21:45,497,599, G>A. VCF-style: chr21-45497599-G-A. GRCh37 (hg19) VCF-style: chr21-46917513-G-A.
Other names: c.3161G>A, p.Gly1054Glu (NM_030582.4); c.3866G>A, p.Gly1289Glu (NM_130444.3); short protein forms G1054E, G874E, G1289E.
Identifiers: ClinVar variation 2110207 (VCV002110207.4), dbSNP rs2517721704, ClinGen allele CA410498136.

ClinVar aggregate classification (germline): Uncertain significance (1 of 4 stars; one submission).

Submission:

Labcorp Genetics (formerly Invitae), Labcorp
Classification: Uncertain significance. Last evaluated: 2022-03-12. Review status: criteria provided, single submitter. Criteria: Invitae Variant Classification Sherloc (09022015). Collection method: clinical testing. Allele origin: germline.
Comment: This variant has not been reported in the literature in individuals affected with COL18A1-related conditions. This variant is not present in population databases (gnomAD no frequency). This sequence change replaces glycine, which is neutral and non-polar, with glutamic acid, which is acidic and polar, at codon 874 of the COL18A1 protein (p.Gly874Glu). Experimental studies and prediction algorithms are not available or were not evaluated, and the functional significance of this variant is currently unknown. In summary, the available evidence is currently insufficient to determine the role of this variant in disease. Therefore, it has been classified as a Variant of Uncertain Significance.